The following is an entry in ClinVar:

ClinVar aggregate classification (germline): Uncertain significance (1 of 4 stars; one submission).

Conditions:
Epilepsy, progressive myoclonic, 1B. Also called: PME. Identifiers: Orphanet 308, MedGen C2676254, MONDO:0012904, OMIM 612437.

Submission:

Labcorp Genetics (formerly Invitae), Labcorp
Classification: Uncertain significance for Epilepsy, progressive myoclonic, 1B. Last evaluated: 2022-08-16. Review status: criteria provided, single submitter. Criteria: Invitae Variant Classification Sherloc (09022015). Collection method: clinical testing. Allele origin: germline.
Comment: In summary, the available evidence is currently insufficient to determine the role of this variant in disease. Therefore, it has been classified as a Variant of Uncertain Significance. Algorithms developed to predict the effect of missense changes on protein structure and function are either unavailable or do not agree on the potential impact of this missense change (SIFT: "Deleterious"; PolyPhen-2: "Possibly Damaging"; Align-GVGD: "Class C0"). ClinVar contains an entry for this variant (Variation ID: 1430931). This variant has not been reported in the literature in individuals affected with PRICKLE1-related conditions. This variant is not present in population databases (gnomAD no frequency). This sequence change replaces glutamic acid, which is acidic and polar, with glutamine, which is neutral and polar, at codon 398 of the PRICKLE1 protein (p.Glu398Gln).

NM_153026.3(PRICKLE1):c.1192G>C (p.Glu398Gln)

Genes: PRICKLE1 (prickle planar cell polarity protein 1; minus strand), LOC126861509 (BRD4-independent group 4 enhancer GRCh37_chr12:42858567-42859766; plus strand). Cytogenetic location: 12q12.
Variant type: single nucleotide variant.
Coding change: c.1192G>C on transcript NM_153026.3 (MANE Select); coding-DNA position 1192, G replaced by C.
Protein change: p.Glu398Gln; replaces glutamic acid 398 with glutamine.
Molecular consequence: missense variant.
Genome position (GRCh38, 1-based): chr12:42,464,842, C>G on the plus strand (G>C on the coding strand, the complement: PRICKLE1 is on the minus strand). VCF-style: chr12-42464842-C-G. GRCh37 (hg19) VCF-style: chr12-42858644-C-G.
Other names: c.1192G>C, p.Glu398Gln (NM_001144881.2, NM_001144882.2, NM_001144883.2); short protein forms E398Q.
Identifiers: ClinVar variation 1430931 (VCV001430931.7), dbSNP rs2140101412, ClinGen allele CA384442260.
Genomic context (GRCh38, chr12:42,464,842, plus strand): 5'-GCTGCGTCATATAATCTTCATGATCAGCCCATTCTTCAGGGTCTTCTGGAGTTTCCTGCT[C>G]TACTCTGCCTTTCCAAAATTCTTCACTGGCAAAACTTGTTCCTTGTCTGGAGAGACTCAG-3'
Protein context (NP_694571.2, residues 388-408): ASEEFWKGRV[Glu398Gln]QETPEDPEEW